The following is an entry in ClinVar:

NM_001184.4(ATR):c.2162T>C (p.Met721Thr)

Gene: ATR (ATR checkpoint kinase; minus strand). Cytogenetic location: 3q23.
Variant type: single nucleotide variant.
Coding change: c.2162T>C on transcript NM_001184.4 (MANE Select); coding-DNA position 2162, T replaced by C.
Protein change: p.Met721Thr; replaces methionine 721 with threonine.
Molecular consequence: missense variant.
Genome position (GRCh38, 1-based): chr3:142,556,056, A>G on the plus strand (T>C on the coding strand, the complement: ATR is on the minus strand). VCF-style: chr3-142556056-A-G. GRCh37 (hg19) VCF-style: chr3-142274898-A-G.
Other names: c.1970T>C, p.Met657Thr (NM_001354579.2); short protein forms M657T, M721T.
Identifiers: ClinVar variation 900023 (VCV000900023.7), dbSNP rs377450037, ClinGen allele CA84748370.
Genomic context (GRCh38, chr3:142,556,056, plus strand): 5'-AAGAGGTCCACATGTCCGTGTTCAGAGAAAGGTTCTGTTAAAGAACTTGTCAGATAAAAC[A>G]TGCCGTGAAGAGTACAGACAAGTTGACCAAGTATAGAAGCAAATTCTTTCTTGACAATGT-3'
Protein context (NP_001175.2, residues 711-731): LGQLVCTLHG[Met721Thr]FYLTSSLTEP

ClinVar aggregate classification (germline): Uncertain significance. Review status: criteria provided, multiple submitters, no conflicts (2 of 4 stars). 2 submissions from 2 submitters: Uncertain significance (2). Last evaluated 2023-09-05.

Conditions:
Seckel syndrome 1 (SCKL1). Also called: MICROCEPHALIC PRIMORDIAL DWARFISM I. Identifiers: Orphanet 808, MedGen C4551474, MONDO:0008869, OMIM 210600.

Allele frequency attached by ClinVar (database versions not stated): gnomAD exomes below 0.00001; TOPMed below 0.00001; ESP Exome Variant Server 0.00008.
gnomAD v4.1: 1 of 1,614,144 alleles (0.000062%); highest among the groups gnomAD compares: Non-Finnish European, 0.000085%; no homozygotes.

Submissions (2):

Labcorp Genetics (formerly Invitae), Labcorp
Classification: Uncertain significance. Last evaluated: 2023-09-05. Review status: criteria provided, single submitter. Criteria: Invitae Variant Classification Sherloc (09022015). Collection method: clinical testing. Allele origin: germline.
Comment: This sequence change replaces methionine, which is neutral and non-polar, with threonine, which is neutral and polar, at codon 721 of the ATR protein (p.Met721Thr). This variant is not present in population databases (gnomAD no frequency). This variant has not been reported in the literature in individuals affected with ATR-related conditions. ClinVar contains an entry for this variant (Variation ID: 900023). Algorithms developed to predict the effect of missense changes on protein structure and function output the following: SIFT: "Not Available"; PolyPhen-2: "Benign"; Align-GVGD: "Not Available". The threonine amino acid residue is found in multiple mammalian species, which suggests that this missense change does not adversely affect protein function. In summary, the available evidence is currently insufficient to determine the role of this variant in disease. Therefore, it has been classified as a Variant of Uncertain Significance.

Illumina Laboratory Services, Illumina
Classification: Uncertain significance for Seckel syndrome 1. Last evaluated: 2018-01-13. Review status: criteria provided, single submitter. Criteria: ICSL Variant Classification Criteria 13 December 2019. Collection method: clinical testing. Allele origin: germline.